The following is an entry in ClinVar:

ClinVar aggregate classification (germline): Pathogenic/Likely pathogenic. Review status: criteria provided, multiple submitters, no conflicts (2 of 4 stars). 2 submissions from 2 submitters: Pathogenic (1); Likely pathogenic (1). Last evaluated 2025-09-15.

Conditions:
Intellectual developmental disorder with microcephaly and with or without ocular malformations or hypogonadotropic hypogonadism. Also called: Intellectual disability, autosomal dominant 27; Coffin-Siris Syndrome 9. Identifiers: Orphanet 1465, MedGen C4014528, MONDO:0014376, OMIM 615866.

Submissions (2):

Institute of Medical Genetics and Applied Genomics, University Hospital Tübingen
Classification: Likely pathogenic for Intellectual developmental disorder with microcephaly and with or without ocular malformations or hypogonadotropic hypogonadism. Last evaluated: 2025-09-15. Review status: criteria provided, single submitter. Criteria: ACMG Guidelines, 2015. Collection method: clinical testing. Allele origin: germline. Inheritance: Autosomal dominant inheritance. Affected: yes.

GeneDx
Classification: Pathogenic. Last evaluated: 2025-04-25. Review status: criteria provided, single submitter. Criteria: GeneDx Variant Classification Process June 2021. Collection method: clinical testing. Allele origin: germline. Affected: yes.
Comment: Not observed at significant frequency in large population cohorts (gnomAD); In silico analysis supports that this missense variant has a deleterious effect on protein structure/function; Has not been previously published as pathogenic or benign to our knowledge

NM_003108.4(SOX11):c.305C>A (p.Ala102Glu)

Gene: SOX11 (SRY-box transcription factor 11; plus strand). Cytogenetic location: 2p25.2.
Variant type: single nucleotide variant.
Coding change: c.305C>A on transcript NM_003108.4 (MANE Select); coding-DNA position 305, C replaced by A.
Protein change: p.Ala102Glu; replaces alanine 102 with glutamic acid.
Molecular consequence: missense variant.
Genome position (GRCh38, 1-based): chr2:5,693,026, C>A. VCF-style: chr2-5693026-C-A. GRCh37 (hg19) VCF-style: chr2-5833158-C-A.
Other names: c.305C>A (NM_003108.3); short protein forms A102E.
Identifiers: ClinVar variation 4082371 (VCV004082371.2).